The following is an entry in ClinVar:

NM_022455.5(NSD1):c.4642-2A>G

Gene: NSD1 (nuclear receptor binding SET domain protein 1; plus strand). Cytogenetic location: 5q35.3.
Variant type: single nucleotide variant.
Coding change: c.4642-2A>G on transcript NM_022455.5 (MANE Select); the canonical splice acceptor site of the intron before coding-DNA position 4642, A replaced by G.
Molecular consequence: splice acceptor variant.
Genome position (GRCh38, 1-based): chr5:177,251,728, A>G. VCF-style: chr5-177251728-A-G. GRCh37 (hg19) VCF-style: chr5-176678729-A-G.
Other names: c.4642-2A>G (NM_001409301.1, NM_001409302.1, NM_001409303.1); c.4222-2A>G (NM_001409304.1); c.3889-2A>G (NM_001409305.1); c.3769-2A>G (NM_001409306.1, NM_001409308.1, NM_001409307.1 and 3 more transcripts).
Identifiers: ClinVar variation 1709926 (VCV001709926.3), dbSNP rs2480641681, ClinGen allele CA362351335.

ClinVar aggregate classification (germline): Likely pathogenic (1 of 4 stars; one submission).

Conditions:
Sotos syndrome (SOTOS). Also called: Sotos' syndrome; Distinctive facial appearance, overgrowth in childhood, and learning disabilities or delayed development; CHROMOSOME 5q35 DELETION SYNDROME; CEREBRAL GIGANTISM; SOTOS SYNDROME 1. Identifiers: Orphanet 821, MedGen C0175695, MONDO:0019349, OMIM 117550.

Submission:

MGZ Medical Genetics Center
Classification: Likely pathogenic for Sotos syndrome. Last evaluated: 2021-10-07. Review status: criteria provided, single submitter. Criteria: ACMG Guidelines, 2015. Collection method: clinical testing. Allele origin: germline. Affected: yes. Observed: 1 variant allele.
Comment: ACMG criteria applied: PVS1, PM2_SUP